The following is an entry in ClinVar:

ClinVar aggregate classification (germline): Uncertain significance (1 of 4 stars; one submission).

Allele frequency attached by ClinVar (database versions not stated): gnomAD 0.00002; TOPMed 0.00002.
gnomAD v4.1: 12 of 1,614,094 alleles (0.00074%); highest among the groups gnomAD compares: Non-Finnish European, 0.001%; no homozygotes.

Submission:

Labcorp Genetics (formerly Invitae), Labcorp
Classification: Uncertain significance. Last evaluated: 2022-08-19. Review status: criteria provided, single submitter. Criteria: Invitae Variant Classification Sherloc (09022015). Collection method: clinical testing. Allele origin: germline.
Comment: In summary, the available evidence is currently insufficient to determine the role of this variant in disease. Therefore, it has been classified as a Variant of Uncertain Significance. Algorithms developed to predict the effect of sequence changes on RNA splicing suggest that this variant may disrupt the consensus splice site. This sequence change affects codon 563 of the TRPM1 mRNA. It is a 'silent' change, meaning that it does not change the encoded amino acid sequence of the TRPM1 protein. This variant is present in population databases (no rsID available, gnomAD 0.007%). This variant has not been reported in the literature in individuals affected with TRPM1-related conditions.

NM_001252024.2(TRPM1):c.1755A>G (p.Gly585=)

Gene: TRPM1 (transient receptor potential cation channel subfamily M member 1; minus strand). Cytogenetic location: 15q13.3.
Variant type: single nucleotide variant.
Coding change: c.1755A>G on transcript NM_001252024.2 (MANE Select); coding-DNA position 1755, A replaced by G.
Protein change: p.Gly585=; no amino-acid change (glycine 585 retained).
Molecular consequence: synonymous variant.
Genome position (GRCh38, 1-based): chr15:31,047,120, T>C on the plus strand (A>G on the coding strand, the complement: TRPM1 is on the minus strand). VCF-style: chr15-31047120-T-C. GRCh37 (hg19) VCF-style: chr15-31339323-T-C.
Other names: c.1806A>G, p.Gly602= (NM_001252020.2); c.1689A>G, p.Gly563= (NM_002420.6).
Identifiers: ClinVar variation 1934112 (VCV001934112.5), dbSNP rs1282453698, ClinGen allele CA489349513.
Genomic context (GRCh38, chr15:31,047,120, plus strand): 5'-ACCACATGGTACTCGCGAACCACAGAACACTACACAGGCACTGAGTTCTACCCTCTTTGG[T>C]CCAAACAAGTTGTTGTAAAGGGTCCGAAAGTTTTTCCGAGTGTAGTTGCAGCGGTAGGCT-3'
Protein context (NP_001238953.1, residues 575-595): NFRTLYNNLF[Gly585=]PKRPKALKLL